The following is an entry in ClinVar:

NM_005996.4(TBX3):c.223G>C (p.Gly75Arg)

Genes: TBX3 (T-box transcription factor 3; minus strand), TBX3-AS1 (TBX3 antisense RNA 1; plus strand). Cytogenetic location: 12q24.21.
Variant type: single nucleotide variant.
Coding change: c.223G>C on transcript NM_005996.4 (MANE Select); coding-DNA position 223, G replaced by C.
Protein change: p.Gly75Arg; replaces glycine 75 with arginine.
Molecular consequence: missense variant.
Genome position (GRCh38, 1-based): chr12:114,682,978, C>G on the plus strand (G>C on the coding strand, the complement: TBX3 is on the minus strand). VCF-style: chr12-114682978-C-G. GRCh37 (hg19) VCF-style: chr12-115120783-C-G.
Other names: c.223G>C (NM_016569.3); c.223G>C, p.Gly75Arg (NM_016569.4); short protein forms G75R.
Identifiers: ClinVar variation 4865353 (VCV004865353.2).

ClinVar aggregate classification (germline): Uncertain significance. Review status: criteria provided, multiple submitters, no conflicts (2 of 4 stars). 2 submissions from 2 submitters: Uncertain significance (2). Last evaluated 2026-04-11.

Conditions:
Inborn genetic diseases. Identifiers: MedGen C0950123, MeSH D030342.
TBX3-related disorder. Also called: TBX3-related condition.

gnomAD v4.1: 8 of 1,613,978 alleles (0.0005%); highest among the groups gnomAD compares: East Asian, 0.0022%; no homozygotes.

Submissions (2):

Ambry Genetics
Classification: Uncertain significance for Inborn genetic diseases. Last evaluated: 2026-04-11. Review status: criteria provided, single submitter. Criteria: Ambry Variant Classification Scheme 2023. Collection method: clinical testing. Allele origin: germline.

PreventionGenetics, part of Exact Sciences
Classification: Uncertain significance for TBX3-related condition. Last evaluated: 2025-07-24. Review status: criteria provided, single submitter. Criteria: ACMG Guidelines, 2015. Collection method: clinical testing. Allele origin: germline.
Comment: The TBX3 c.223G>C variant is predicted to result in the amino acid substitution p.Gly75Arg. To our knowledge, this variant has not been reported in the literature. This variant is reported in 0.0065% of alleles in individuals of European (Non-Finnish) descent in gnomAD. At this time, the clinical significance of this variant is uncertain due to the absence of conclusive functional and genetic evidence.